The following is an entry in ClinVar:

NM_020921.4(NIN):c.561G>T (p.Leu187=)

Gene: NIN (ninein; minus strand). Cytogenetic location: 14q22.1.
Variant type: single nucleotide variant.
Coding change: c.561G>T on transcript NM_020921.4 (MANE Select); coding-DNA position 561, G replaced by T.
Protein change: p.Leu187=; no amino-acid change (leucine 187 retained).
Molecular consequence: synonymous variant.
Genome position (GRCh38, 1-based): chr14:50,777,054, C>A on the plus strand (G>T on the coding strand, the complement: NIN is on the minus strand). VCF-style: chr14-50777054-C-A. GRCh37 (hg19) VCF-style: chr14-51243772-C-A.
Other names: c.561G>T, p.Leu187= (NM_016350.5, NM_182944.3, NM_182946.2).
Identifiers: ClinVar variation 5040097 (VCV005040097.1).
Genomic context (GRCh38, chr14:50,777,054, plus strand): 5'-CAGCTTCTTCCGGTTCAGGTGACCATCACGGGTGATCCCCAAATCTTCACAAACTTCTTG[C>A]AGTTTCTCTTCTATCCAGTCTTGGGGAGGGGAAGATCCACTCTGTGAAGCATTCAAGTCA-3'
Protein context (NP_065972.4, residues 177-197): SPPQDWIEEK[Leu187=]QEVCEDLGIT

ClinVar aggregate classification (germline): Likely benign (1 of 4 stars; one submission).

gnomAD v4.1: 1 of 1,614,210 alleles (0.000062%); no homozygotes.

Submission:

CeGaT Center for Human Genetics Tuebingen
Classification: Likely benign. Last evaluated: 2026-07-01. Review status: criteria provided, single submitter. Criteria: CeGaT Center For Human Genetics Tuebingen Variant Classification Criteria Version 2. Collection method: clinical testing. Allele origin: germline. Affected: yes. Observed: 1 variant allele.
Comment: NIN: BP4, BP7